The following is an entry in ClinVar:

ClinVar aggregate classification (germline): Uncertain significance (1 of 4 stars; one submission).

Allele frequency attached by ClinVar (database versions not stated): gnomAD exomes 0.00001; ExAC 0.00002.
gnomAD v4.1: 5 of 1,614,024 alleles (0.00031%); highest among the groups gnomAD compares: Admixed American, 0.0067%; no homozygotes.

Submission:

Labcorp Genetics (formerly Invitae), Labcorp
Classification: Uncertain significance. Last evaluated: 2025-10-20. Review status: criteria provided, single submitter. Criteria: Invitae Variant Classification Sherloc (09022015). Collection method: clinical testing. Allele origin: germline.
Comment: This sequence change replaces proline, which is neutral and non-polar, with leucine, which is neutral and non-polar, at codon 1632 of the KMT2E protein (p.Pro1632Leu). This variant is present in population databases (rs760424384, gnomAD 0.01%). This variant has not been reported in the literature in individuals affected with KMT2E-related conditions. ClinVar contains an entry for this variant (Variation ID: 2109742). An algorithm developed to predict the effect of missense changes on protein structure and function (PolyPhen-2) suggests that this variant is likely to be disruptive. In summary, the available evidence is currently insufficient to determine the role of this variant in disease. Therefore, it has been classified as a Variant of Uncertain Significance.

NM_182931.3(KMT2E):c.4895C>T (p.Pro1632Leu)

Gene: KMT2E (lysine methyltransferase 2E (inactive); plus strand). Cytogenetic location: 7q22.3.
Variant type: single nucleotide variant.
Coding change: c.4895C>T on transcript NM_182931.3 (MANE Select); coding-DNA position 4895, C replaced by T.
Protein change: p.Pro1632Leu; replaces proline 1632 with leucine.
Molecular consequence: missense variant.
Genome position (GRCh38, 1-based): chr7:105,112,651, C>T. VCF-style: chr7-105112651-C-T. GRCh37 (hg19) VCF-style: chr7-104753098-C-T.
Other names: c.4769C>T, p.Pro1590Leu (NM_001410908.1); c.4895C>T, p.Pro1632Leu (NM_018682.4); short protein forms P1590L, P1632L.
Identifiers: ClinVar variation 2109742 (VCV002109742.4), dbSNP rs760424384, ClinGen allele CA4424853.